The following is an entry in ClinVar:

NM_145868.2(ANXA11):c.650-2A>G

Gene: ANXA11 (annexin A11; minus strand). Cytogenetic location: 10q22.3.
Variant type: single nucleotide variant.
Coding change: c.650-2A>G on transcript NM_145868.2 (MANE Select); the canonical splice acceptor site of the intron before coding-DNA position 650, A replaced by G.
Molecular consequence: splice acceptor variant.
Genome position (GRCh38, 1-based): chr10:80,166,986, T>C on the plus strand (A>G on the coding strand, the complement: ANXA11 is on the minus strand). VCF-style: chr10-80166986-T-C. GRCh37 (hg19) VCF-style: chr10-81926742-T-C.
Other names: c.650-2A>G (NM_001278407.2, NM_001157.3, NM_145869.2 and 1 more transcripts); c.551-2A>G (NM_001278409.2).
Identifiers: ClinVar variation 2789842 (VCV002789842.3), dbSNP rs1845770032, ClinGen allele CA377367718.
Genomic context (GRCh38, chr10:80,166,986, plus strand): 5'-CTGCCGCTGCTTGTTGGAGCGACTCCCCAGGCAGTCAATGATGGCCTGCTCATCCGTCCC[T>C]GGAGGAAGAGGCAGCAGGGGTGGGTCGGGTAGGGGTCATGAGATGCTCTGCAGCTGAGAC-3'

ClinVar aggregate classification (germline): Uncertain significance (1 of 4 stars; one submission).

Allele frequency attached by ClinVar (database versions not stated): gnomAD exomes below 0.00001; TOPMed below 0.00001; gnomAD 0.00001.
gnomAD v4.1: 3 of 1,591,306 alleles (0.00019%); highest among the groups gnomAD compares: African/African-American, 0.0027%; no homozygotes.

Submission:

Labcorp Genetics (formerly Invitae), Labcorp
Classification: Uncertain significance. Last evaluated: 2024-01-13. Review status: criteria provided, single submitter. Criteria: Invitae Variant Classification Sherloc (09022015). Collection method: clinical testing. Allele origin: germline.
Comment: This sequence change affects an acceptor splice site in intron 5 of the ANXA11 gene. It is expected to disrupt RNA splicing. Variants that disrupt the donor or acceptor splice site typically lead to a loss of protein function (PMID: 16199547), however the current clinical and genetic evidence is not sufficient to establish whether loss-of-function variants in ANXA11 cause disease. This variant is not present in population databases (gnomAD no frequency). This variant has not been reported in the literature in individuals affected with ANXA11-related conditions. Algorithms developed to predict the effect of sequence changes on RNA splicing suggest that this variant may disrupt the consensus splice site. In summary, the available evidence is currently insufficient to determine the role of this variant in disease. Therefore, it has been classified as a Variant of Uncertain Significance.

Literature cited by the submitters: PubMed 16199547.